The following is an entry in ClinVar:

NM_000059.4(BRCA2):c.6143A>G (p.Asn2048Ser)

Gene: BRCA2 (BRCA2 DNA repair associated; plus strand). Cytogenetic location: 13q13.1.
Variant type: single nucleotide variant.
Coding change: c.6143A>G on transcript NM_000059.4 (MANE Select); coding-DNA position 6143, A replaced by G.
Protein change: p.Asn2048Ser; replaces asparagine 2048 with serine.
Molecular consequence: missense variant.
Genome position (GRCh38, 1-based): chr13:32,340,498, A>G. VCF-style: chr13-32340498-A-G. GRCh37 (hg19) VCF-style: chr13-32914635-A-G.
Other names: short protein forms N2048S.
Identifiers: ClinVar variation 573300 (VCV000573300.10), dbSNP rs80358853, ClinGen allele CA387788255.

ClinVar aggregate classification (germline): Conflicting classifications of pathogenicity. Review status: criteria provided, conflicting classifications (1 of 4 stars). 2 submissions from 2 submitters: Uncertain significance (1); Likely benign (1). Last evaluated 2023-03-23.

Conditions:
Hereditary cancer-predisposing syndrome. Also called: Neoplastic Syndromes, Hereditary; Hereditary Cancer Syndrome; Tumor predisposition; Hereditary neoplastic syndrome. Identifiers: Orphanet 140162, MedGen C0027672, MeSH D009386, MONDO:0015356.
Hereditary breast ovarian cancer syndrome. Also called: BRCA1- and BRCA2-Associated Hereditary Breast and Ovarian Cancer; Hereditary breast and ovarian cancer; Hereditary breast and/or ovarian cancer syndrome; Hereditary breast and ovarian cancer syndrome; Hereditary breast and ovarian cancer syndrome (HBOC); Breast and ovarian cancer. Identifiers: Orphanet 145, MedGen C0677776, MeSH D061325, MONDO:0003582. Disease mechanism: loss of function.

Submissions (2):

University of Washington Department of Laboratory Medicine, University of Washington
Classification: Likely benign for Hereditary cancer-predisposing syndrome. Last evaluated: 2023-03-23. Review status: criteria provided, single submitter. Criteria: Dines et al. (Genet Med. 2020). Collection method: curation. Allele origin: germline.
Comment: Missense variant in a coldspot region where missense variants are very unlikely to be pathogenic (PMID:31911673).

BRCA2 exon 11 coldspot. Reclassification based on statistical prior probability.

Labcorp Genetics (formerly Invitae), Labcorp
Classification: Uncertain significance for Hereditary breast ovarian cancer syndrome. Last evaluated: 2018-05-06. Review status: criteria provided, single submitter. Criteria: Invitae Variant Classification Sherloc (09022015). Collection method: clinical testing. Allele origin: germline.
Comment: This variant has not been reported in the literature in individuals with BRCA2-related disease. This variant is not present in population databases (ExAC no frequency). This sequence change replaces asparagine with serine at codon 2048 of the BRCA2 protein (p.Asn2048Ser). The asparagine residue is weakly conserved and there is a small physicochemical difference between asparagine and serine. In summary, the available evidence is currently insufficient to determine the role of this variant in disease. Therefore, it has been classified as a Variant of Uncertain Significance. Algorithms developed to predict the effect of sequence changes on RNA splicing suggest that this variant may create or strengthen a splice site, but this prediction has not been confirmed by published transcriptional studies. Algorithms developed to predict the effect of missense changes on protein structure and function output the following: SIFT: "Tolerated"; PolyPhen-2: "Benign"; Align-GVGD: "Class C0". The serine amino acid residue is found in multiple mammalian species, suggesting that this missense change does not adversely affect protein function. These predictions have not been confirmed by published functional studies and their clinical significance is uncertain.